The following is an entry in ClinVar:

NM_032608.7(MYO18B):c.6659_6660del (p.Arg2220fs)

Gene: MYO18B (myosin XVIIIB; plus strand). Cytogenetic location: 22q12.1.
Variant type: Microsatellite.
Coding change: c.6659_6660del on transcript NM_032608.7 (MANE Select); coding-DNA positions 6659 to 6660, 2 bases deleted (GA; older notation c.6659_6660delGA).
Protein change: p.Arg2220fs; shifts the reading frame from arginine 2220.
Molecular consequence: frameshift variant.
Genome position (GRCh38, 1-based): chr22:26,026,633-26,026,634, GA deleted; deleting any 2 consecutive bases within chr22:26,026,628-26,026,634 gives the same sequence; the c. name uses the placement nearest the transcript's 3' end. VCF-style (leftmost placement, unchanged base first): chr22-26026627-CAG-C. GRCh37 (hg19) VCF-style: chr22-26422593-CAG-C.
Other names: c.6662_6663del, p.Arg2221fs (NM_001318245.2); short protein forms R2220fs, R2221fs.
Identifiers: ClinVar variation 2633426 (VCV002633426.1), dbSNP rs748069734, ClinGen allele CA10161582.

ClinVar aggregate classification (germline): Likely pathogenic (1 of 4 stars; one submission).

Conditions:
MYO18B-related disorder. Also called: MYO18B-related condition.

Submission:

PreventionGenetics, part of Exact Sciences
Classification: Likely pathogenic for MYO18B-related condition. Last evaluated: 2023-03-31. Review status: criteria provided, single submitter. Criteria: ACMG Guidelines, 2015. Collection method: clinical testing. Allele origin: germline.
Comment: The MYO18B c.6659_6660delGA variant is predicted to result in a frameshift and premature protein termination (p.Arg2220Ilefs*77). To our knowledge, this variant has not been reported in the literature. This variant is reported in 0.00089% of alleles in individuals of European (Non-Finnish) descent in gnomAD. Frameshift variants in MYO18B are expected to be pathogenic. This variant is interpreted as likely pathogenic.